The following is an entry in ClinVar:

ClinVar aggregate classification (germline): Likely benign (1 of 4 stars; one submission).

Allele frequency attached by ClinVar (database versions not stated): ESP Exome Variant Server 0.00038; TOPMed 0.00045; gnomAD exomes 0.00074; ExAC 0.00096; gnomAD 0.00116.
gnomAD v4.1: 1,231 of 1,614,046 alleles (0.076%); highest among the groups gnomAD compares: Non-Finnish European, 0.07%; 2 homozygotes.

Submission:

CeGaT Center for Human Genetics Tuebingen
Classification: Likely benign. Last evaluated: 2022-05-01. Review status: criteria provided, single submitter. Criteria: CeGaT Center For Human Genetics Tuebingen Variant Classification Criteria Version 2. Collection method: clinical testing. Allele origin: germline. Affected: yes. Observed: 1 variant allele.
Comment: ARHGAP10: BP4, BP7

NM_024605.4(ARHGAP10):c.978G>A (p.Lys326=)

Gene: ARHGAP10 (Rho GTPase activating protein 10; plus strand). Cytogenetic location: 4q31.23.
Variant type: single nucleotide variant.
Coding change: c.978G>A on transcript NM_024605.4 (MANE Select); coding-DNA position 978, G replaced by A.
Protein change: p.Lys326=; no amino-acid change (lysine 326 retained).
Molecular consequence: synonymous variant.
Genome position (GRCh38, 1-based): chr4:147,881,876, G>A. VCF-style: chr4-147881876-G-A. GRCh37 (hg19) VCF-style: chr4-148803027-G-A.
Identifiers: ClinVar variation 2655116 (VCV002655116.24), dbSNP rs61758694, ClinGen allele CA3099356.